The following is an entry in ClinVar:

ClinVar aggregate classification (germline): Uncertain significance (1 of 4 stars; one submission).

Conditions:
Tietz syndrome (TADS). Also called: HYPOPIGMENTATION/DEAFNESS OF TIETZ; TIETZ ALBINISM-DEAFNESS SYNDROME; ALBINISM-DEAFNESS OF TIETZ. Identifiers: Orphanet 42665, MedGen C0391816, MONDO:0007077, OMIM 103500.
Waardenburg syndrome type 2A (WS2A). Also called: WAARDENBURG SYNDROME WITHOUT DYSTOPIA CANTHORUM. Identifiers: Orphanet 3440, MedGen C1860339, MONDO:0008671, OMIM 193510.
Melanoma, cutaneous malignant, susceptibility to, 8. Also called: MELANOMA AND RENAL CELL CARCINOMA, SUSCEPTIBILITY TO; Cutaneous malignant melanoma 8. Identifiers: Orphanet 293822, MedGen C3152204, MONDO:0013759, OMIM 614456.

Submission:

Labcorp Genetics (formerly Invitae), Labcorp
Classification: Uncertain significance for Melanoma, cutaneous malignant, susceptibility to, 8; Waardenburg syndrome type 2A; Tietz syndrome. Last evaluated: 2024-04-04. Review status: criteria provided, single submitter. Criteria: Invitae Variant Classification Sherloc (09022015). Collection method: clinical testing. Allele origin: germline.
Comment: This sequence change replaces aspartic acid, which is acidic and polar, with tyrosine, which is neutral and polar, at codon 118 of the MITF protein (p.Asp118Tyr). This variant is not present in population databases (gnomAD no frequency). This variant has not been reported in the literature in individuals affected with MITF-related conditions. Advanced modeling of protein sequence and biophysical properties (such as structural, functional, and spatial information, amino acid conservation, physicochemical variation, residue mobility, and thermodynamic stability) performed at Invitae indicates that this missense variant is expected to disrupt MITF protein function with a positive predictive value of 80%. In summary, the available evidence is currently insufficient to determine the role of this variant in disease. Therefore, it has been classified as a Variant of Uncertain Significance.

NM_001354604.2(MITF):c.673G>T (p.Asp225Tyr)

Gene: MITF (melanocyte inducing transcription factor; plus strand). Cytogenetic location: 3p13.
Variant type: single nucleotide variant.
Coding change: c.673G>T on transcript NM_001354604.2 (MANE Select); coding-DNA position 673, G replaced by T.
Protein change: p.Asp225Tyr; replaces aspartic acid 225 with tyrosine.
Molecular consequence: missense variant.
Genome position (GRCh38, 1-based): chr3:69,941,242, G>T. VCF-style: chr3-69941242-G-T. GRCh37 (hg19) VCF-style: chr3-69990393-G-T.
Other names: c.352G>T, p.Asp118Tyr (NM_000248.4, NM_198158.3); c.517G>T, p.Asp173Tyr (NM_001184967.2, NM_001354608.2); c.670G>T, p.Asp224Tyr (NM_001354605.2, NM_001354606.2, NM_006722.3); c.622G>T, p.Asp208Tyr (NM_001354607.2); c.673G>T, p.Asp225Tyr (NM_198159.3); c.625G>T, p.Asp209Tyr (NM_198177.3); c.184G>T, p.Asp62Tyr (NM_198178.3); short protein forms D118Y, D173Y, D208Y, D209Y, D224Y, D225Y, D62Y.
Identifiers: ClinVar variation 3755692 (VCV003755692.2).